The following is an entry in ClinVar:

NM_015915.5(ATL1):c.133T>G (p.Ser45Ala)

Gene: ATL1 (atlastin GTPase 1; plus strand). Cytogenetic location: 14q22.1.
Variant type: single nucleotide variant.
Coding change: c.133T>G on transcript NM_015915.5 (MANE Select); coding-DNA position 133, T replaced by G.
Protein change: p.Ser45Ala; replaces serine 45 with alanine.
Molecular consequence: missense variant.
Genome position (GRCh38, 1-based): chr14:50,587,929, T>G. VCF-style: chr14-50587929-T-G. GRCh37 (hg19) VCF-style: chr14-51054647-T-G.
Other names: c.133T>G, p.Ser45Ala (NM_001127713.1, NM_181598.4); short protein forms S45A.
Identifiers: ClinVar variation 1518298 (VCV001518298.8), dbSNP rs2140201804, ClinGen allele CA389665515.

ClinVar aggregate classification (germline): Uncertain significance (1 of 4 stars; one submission).

Conditions:
Hereditary spastic paraplegia 3A (SPG3A). Also called: SPASTIC PARAPLEGIA 3, AUTOSOMAL DOMINANT; FAMILIAL SPASTIC PARAPLEGIA, AUTOSOMAL DOMINANT, 1; SPG3; STRUMPELL DISEASE; Spastic Paraplegia 3A; Spastic paraplegia 3A, autosomal dominant. Identifiers: Orphanet 100984, MedGen C2931355, MONDO:0008437, OMIM 182600.

Submission:

Labcorp Genetics (formerly Invitae), Labcorp
Classification: Uncertain significance for Hereditary spastic paraplegia 3A. Last evaluated: 2021-03-22. Review status: criteria provided, single submitter. Criteria: Invitae Variant Classification Sherloc (09022015). Collection method: clinical testing. Allele origin: germline.
Comment: This sequence change replaces serine with alanine at codon 45 of the ATL1 protein (p.Ser45Ala). The serine residue is highly conserved and there is a moderate physicochemical difference between serine and alanine. This variant is not present in population databases (ExAC no frequency). This variant has not been reported in the literature in individuals with ATL1-related conditions. Advanced modeling of protein sequence and biophysical properties (such as structural, functional, and spatial information, amino acid conservation, physicochemical variation, residue mobility, and thermodynamic stability) performed at Invitae indicates that this missense variant is not expected to disrupt ATL1 protein function. In summary, the available evidence is currently insufficient to determine the role of this variant in disease. Therefore, it has been classified as a Variant of Uncertain Significance.